The following is an entry in ClinVar:

NM_032638.5(GATA2):c.433G>A (p.Gly145Arg)

Gene: GATA2 (GATA binding protein 2; minus strand). Cytogenetic location: 3q21.3.
Variant type: single nucleotide variant.
Coding change: c.433G>A on transcript NM_032638.5 (MANE Select); coding-DNA position 433, G replaced by A.
Protein change: p.Gly145Arg; replaces glycine 145 with arginine.
Molecular consequence: missense variant.
Genome position (GRCh38, 1-based): chr3:128,486,165, C>T on the plus strand (G>A on the coding strand, the complement: GATA2 is on the minus strand). VCF-style: chr3-128486165-C-T. GRCh37 (hg19) VCF-style: chr3-128205008-C-T.
Other names: c.433G>A, p.Gly145Arg (NM_001145661.2, NM_001145662.1); short protein forms G145R.
Identifiers: ClinVar variation 1063242 (VCV001063242.9), dbSNP rs2107672664, ClinGen allele CA354406773.

ClinVar aggregate classification (germline): Uncertain significance (1 of 4 stars; one submission).

Conditions:
Deafness-lymphedema-leukemia syndrome. Also called: Emberger syndrome; Lymphedema, primary, with myelodysplasia. Identifiers: Orphanet 3226, MedGen C3279664, MONDO:0013540, OMIM 614038.
Monocytopenia with susceptibility to infections. Also called: MONOCYTOPENIA AND MYCOBACTERIAL INFECTION SYNDROME; MONOCYTOPENIA WITH SUSCEPTIBILITY TO MYCOBACTERIAL, FUNGAL, AND PAPILLOMAVIRUS INFECTIONS AND MYELODYSPLASIA; COMBINED IMMUNODEFICIENCY WITH SUSCEPTIBILITY TO MYCOBACTERIAL, VIRAL, AND FUNGAL INFECTIONS; Dendritic cell, monocyte, B lymphocyte, and natural killer lymphocyte deficiency; IMMUNODEFICIENCY 21; GATA2 DEFICIENCY. Identifiers: Orphanet 228423, MedGen C3280030, MONDO:0013607, OMIM 614172.

Allele frequency attached by ClinVar (database versions not stated): gnomAD exomes below 0.00001.
gnomAD v4.1: 1 of 1,570,622 alleles (0.000064%); highest among the groups gnomAD compares: Non-Finnish European, 0.000086%; no homozygotes.

Submission:

Labcorp Genetics (formerly Invitae), Labcorp
Classification: Uncertain significance for Monocytopenia with susceptibility to infections; Deafness-lymphedema-leukemia syndrome. Last evaluated: 2020-10-05. Review status: criteria provided, single submitter. Criteria: Invitae Variant Classification Sherloc (09022015). Collection method: clinical testing. Allele origin: germline.
Comment: In summary, the available evidence is currently insufficient to determine the role of this variant in disease. Therefore, it has been classified as a Variant of Uncertain Significance. Algorithms developed to predict the effect of missense changes on protein structure and function (SIFT, PolyPhen-2, Align-GVGD) all suggest that this variant is likely to be tolerated, but these predictions have not been confirmed by published functional studies and their clinical significance is uncertain. This variant has not been reported in the literature in individuals with GATA2-related conditions. This variant is not present in population databases (ExAC no frequency). This sequence change replaces glycine with arginine at codon 145 of the GATA2 protein (p.Gly145Arg). The glycine residue is weakly conserved and there is a moderate physicochemical difference between glycine and arginine.